The following is an entry in ClinVar:

ClinVar aggregate classification (germline): Likely pathogenic (1 of 4 stars; one submission).

Conditions:
Bainbridge-Ropers syndrome. Also called: Severe feeding difficulties-failure to thrive-microcephaly due to ASXL3 deficiency syndrome. Identifiers: Orphanet 352577, MedGen C4750837, MONDO:0014205, OMIM 615485.

Submission:

Institute for Genomic Statistics and Bioinformatics, University Hospital Bonn
Classification: Likely pathogenic for Bainbridge-Ropers syndrome. Review status: criteria provided, single submitter. Criteria: ACMG Guidelines, 2015. Collection method: clinical testing. Allele origin: maternal. Inheritance: Autosomal dominant inheritance. Affected: yes. Observed: 1 heterozygote.
Comment: PVS1

NM_030632.3(ASXL3):c.1669G>T (p.Glu557Ter)

Gene: ASXL3 (ASXL transcriptional regulator 3; plus strand). Cytogenetic location: 18q12.1.
Variant type: single nucleotide variant.
Coding change: c.1669G>T on transcript NM_030632.3 (MANE Select); coding-DNA position 1669, G replaced by T.
Protein change: p.Glu557Ter; replaces glutamic acid 557 with a stop codon.
Molecular consequence: nonsense.
Genome position (GRCh38, 1-based): chr18:33,739,073, G>T. VCF-style: chr18-33739073-G-T. GRCh37 (hg19) VCF-style: chr18-31319037-G-T.
Other names: short protein forms E557*.
Identifiers: ClinVar variation 981476 (VCV000981476.1), dbSNP rs2067603110, ClinGen allele CA402176085.